The following is an entry in ClinVar:

ClinVar aggregate classification (germline): Uncertain significance (1 of 4 stars; one submission).

Submission:

GeneDx
Classification: Uncertain significance. Last evaluated: 2020-01-31. Review status: criteria provided, single submitter. Criteria: GeneDx Variant Classification Process June 2021. Collection method: clinical testing. Allele origin: germline. Affected: yes.
Comment: Not observed in large population cohorts (Lek et al., 2016); Missense variants in this gene are often considered pathogenic (Stenson et al., 2014); In silico analysis supports that this missense variant does not alter protein structure/function; Has not been previously published as pathogenic or benign to our knowledge

NM_030662.4(MAP2K2):c.479A>G (p.Lys160Arg)

Gene: MAP2K2 (mitogen-activated protein kinase kinase 2; minus strand). Cytogenetic location: 19p13.3.
Variant type: single nucleotide variant.
Coding change: c.479A>G on transcript NM_030662.4 (MANE Select); coding-DNA position 479, A replaced by G.
Protein change: p.Lys160Arg; replaces lysine 160 with arginine.
Molecular consequence: missense variant.
Genome position (GRCh38, 1-based): chr19:4,102,425, T>C on the plus strand (A>G on the coding strand, the complement: MAP2K2 is on the minus strand). VCF-style: chr19-4102425-T-C. GRCh37 (hg19) VCF-style: chr19-4102423-T-C.
Other names: short protein forms K160R.
Identifiers: ClinVar variation 1315090 (VCV001315090.2), dbSNP rs2041027193, ClinGen allele CA403390147.